The following is an entry in ClinVar:

ClinVar aggregate classification (germline): Uncertain significance (1 of 4 stars; one submission).

Conditions:
Granulomatous disease, chronic, X-linked. Also called: GRANULOMATOUS DISEASE, CHRONIC, X-LINKED, SOMATIC MOSAIC; CYTOCHROME b-NEGATIVE GRANULOMATOUS DISEASE, CHRONIC, X-LINKED. Identifiers: Orphanet 379, MedGen C1844376, MONDO:0010600, OMIM 306400.

Submission:

Labcorp Genetics (formerly Invitae), Labcorp
Classification: Uncertain significance for Granulomatous disease, chronic, X-linked. Last evaluated: 2021-09-02. Review status: criteria provided, single submitter. Criteria: Invitae Variant Classification Sherloc (09022015). Collection method: clinical testing. Allele origin: germline.
Comment: This sequence change replaces serine with threonine at codon 475 of the CYBB protein (p.Ser475Thr). The serine residue is highly conserved and there is a small physicochemical difference between serine and threonine. This variant is not present in population databases (ExAC no frequency). This variant has not been reported in the literature in individuals affected with CYBB-related conditions. Algorithms developed to predict the effect of missense changes on protein structure and function are either unavailable or do not agree on the potential impact of this missense change (SIFT: "Deleterious"; PolyPhen-2: "Benign"; Align-GVGD: "Class C55"). In summary, the available evidence is currently insufficient to determine the role of this variant in disease. Therefore, it has been classified as a Variant of Uncertain Significance.

NM_000397.4(CYBB):c.1424G>C (p.Ser475Thr)

Gene: CYBB (cytochrome b-245 beta chain; plus strand). Cytogenetic location: Xp11.4.
Variant type: single nucleotide variant.
Coding change: c.1424G>C on transcript NM_000397.4 (MANE Select); coding-DNA position 1424, G replaced by C.
Protein change: p.Ser475Thr; replaces serine 475 with threonine.
Molecular consequence: missense variant.
Genome position (GRCh38, 1-based): chrX:37,806,496, G>C. VCF-style: chrX-37806496-G-C. GRCh37 (hg19) VCF-style: chrX-37665749-G-C.
Other names: short protein forms S475T.
Identifiers: ClinVar variation 1507764 (VCV001507764.5), dbSNP rs2146819056, ClinGen allele CA412978228.